The following is an entry in ClinVar:

NM_000372.5(TYR):c.766C>T (p.His256Tyr)

Gene: TYR (tyrosinase; plus strand). Cytogenetic location: 11q14.3.
Variant type: single nucleotide variant.
Coding change: c.766C>T on transcript NM_000372.5 (MANE Select); coding-DNA position 766, C replaced by T.
Protein change: p.His256Tyr; replaces histidine 256 with tyrosine.
Molecular consequence: missense variant.
Genome position (GRCh38, 1-based): chr11:89,178,719, C>T. VCF-style: chr11-89178719-C-T. GRCh37 (hg19) VCF-style: chr11-88911887-C-T.
Other names: short protein forms H256Y.
Identifiers: ClinVar variation 99580 (VCV000099580.35), dbSNP rs61754370, ClinGen allele CA227588.

ClinVar aggregate classification (germline): Pathogenic/Likely pathogenic. Review status: criteria provided, multiple submitters, no conflicts (2 of 4 stars). 6 submissions from 6 submitters: Pathogenic (1); Likely pathogenic (4). 1 of the submissions does not count toward it. Last evaluated 2026-01-02.

Conditions:
TYR-related disorder. Also called: TYR-related condition.
Inborn genetic diseases. Identifiers: MedGen C0950123, MeSH D030342.
Oculocutaneous albinism type 1A (OCA1A). Also called: Albinism, oculocutaneous, type IA. Identifiers: Orphanet 352731, Orphanet 79431, MedGen C4551504, MONDO:0008745, OMIM 203100. Disease mechanism: loss of function.
Oculocutaneous albinism type 1B (OCA1B). Also called: YELLOW ALBINISM; ALBINISM, OCULOCUTANEOUS, TYPE IB; ALBINISM, YELLOW MUTANT TYPE. Identifiers: Orphanet 352731, Orphanet 352737, Orphanet 79434, MedGen C1847024, MONDO:0011749, OMIM 606952.

Allele frequency attached by ClinVar (database versions not stated): gnomAD exomes below 0.00001 and 0.00001; gnomAD 0.00001.
gnomAD v4.1: 4 of 1,613,948 alleles (0.00025%); highest among the groups gnomAD compares: Non-Finnish European, 0.00034%; no homozygotes.

Submissions (6):

PreventionGenetics, part of Exact Sciences
Classification: Likely pathogenic for TYR-related condition. Last evaluated: 2026-01-02. Review status: criteria provided, single submitter. Criteria: ACMG Guidelines, 2015. Collection method: clinical testing. Allele origin: germline.
Comment: The TYR c.766C>T variant is predicted to result in the amino acid substitution p.His256Tyr. This variant is also predicted to create a cryptic splice donor site within this exon (SpliceAI, Jaganathan et al. 2019. PubMed ID: 30661751). This variant has been reported in the homozygous state in an individual with oculocutaneous albinism (Camand et al. 2001. PubMed ID: 11295837). This variant has been detected in cis with the common TYR variant c.575C>A and in trans to a pathogenic TYR variant in multiple individuals undergoing testing for oculocutaneous albinism (PreventionGenetics internal data). This variant is present in 0.00088% of alleles in individuals of European (Non-Finnish) descent in gnomAD. Given the evidence, we interpret this variant as likely pathogenic.

Ambry Genetics
Classification: Likely pathogenic for Inborn genetic diseases. Last evaluated: 2025-03-14. Review status: criteria provided, single submitter. Criteria: Ambry Variant Classification Scheme 2023. Collection method: clinical testing. Allele origin: germline.
Comment: The c.766C>T (p.H256Y) alteration is located in exon 1 (coding exon 1) of the TYR gene. This alteration results from a C to T substitution at nucleotide position 766, causing the histidine (H) at amino acid position 256 to be replaced by a tyrosine (Y). Based on data from gnomAD, the T allele has an overall frequency of <0.001% (1/250932) total alleles studied. The highest observed frequency was 0.001% (1/113300) of European (non-Finnish) alleles. This amino acid position is not well conserved in available vertebrate species. This missense alteration is predicted to be deleterious by in silico analysis and in silico splice site analysis predicts that this nucleotide alteration will result in the creation or strengthening of a novel splice donor site. Based on the available evidence, this alteration is classified as likely pathogenic.

Laboratory of Genetic Epidemiology, Research Centre for Medical Genetics
Classification: Likely pathogenic for Oculocutaneous albinism type 1A; Oculocutaneous albinism type 1B. Last evaluated: 2025-01-01. Review status: criteria provided, single submitter. Criteria: ACMG Guidelines, 2015. Collection method: clinical testing. Allele origin: paternal. Inheritance: Autosomal recessive inheritance. Affected: yes. Observed: 1 compound heterozygote.
Comment: The splicing variant NM_000372.5:c.766C>T was identified in a compound heterozygous state in two probands diagnosed with albinism. The variant is listed in gnomAD v3.1.2 with allele frequency 0.00001 in Europe (1/68004). According to splicing predictors (SpliceAI), the variant is predicted to affect splicing (donor gain with score 0.72). The functional analysis was conducted for this variant, as a result the variant led to the activation of the cryptic splicing site in exon 1 of the TYR gene. As a result, an aberrant transcript appeared with exon 1 shortened by 59 nucleotides, which leads to the formation of a premature stop codon (NP_000363.1:p.Gly254AspfsTer4) at the protein level. Taken together, the variant meets the following ACMG/AMP criteria and can be classified as likely pathogenic with PM2, PS3, PM3, PP4 criteria.

CeGaT Center for Human Genetics Tuebingen
Classification: Likely pathogenic. Last evaluated: 2022-08-01. Review status: criteria provided, single submitter. Criteria: CeGaT Center For Human Genetics Tuebingen Variant Classification Criteria Version 2. Collection method: clinical testing. Allele origin: germline. Affected: yes. Observed: 1 variant allele.
Comment: TYR: PM1, PM2, PP3, PP4

Blueprint Genetics
Classification: Pathogenic for TYR-related disorders. Last evaluated: 2021-11-30. Review status: criteria provided, single submitter. Criteria: ACMG Guidelines, 2015. Collection method: clinical testing. Allele origin: germline. Affected: yes. Observed: 5 variant alleles.

Retina International
No classification provided. Review status: no classification provided. Collection method: not provided. Allele origin: not provided. Not counted in ClinVar's aggregate classification.

Literature cited by the submitters: PubMed 41428507 (cited by Laboratory of Genetic Epidemiology, Research Centre for Medical Genetics).